The following is an entry in ClinVar:

NM_001830.4(CLCN4):c.245-94_249dup

Gene: CLCN4 (chloride voltage-gated channel 4; plus strand). Cytogenetic location: Xp22.2.
Variant type: Duplication.
Coding change: c.245-94_249dup on transcript NM_001830.4 (MANE Select); 94 bases into the intron before coding-DNA position 245 through coding-DNA position 249, 99 bases duplicated.
Molecular consequence: splice acceptor variant.
Genome position (GRCh38, 1-based): chrX:10,194,817-10,194,915, 99 bases duplicated. GRCh37 (hg19): chrX:10,162,857-10,162,955.
Other names: c.-38-94_-34dup (NM_001256944.2).
Identifiers: ClinVar variation 4715622 (VCV004715622.1).

ClinVar aggregate classification (germline): Uncertain significance (1 of 4 stars; one submission).

Submission:

Labcorp Genetics (formerly Invitae), Labcorp
Classification: Uncertain significance. Last evaluated: 2025-03-20. Review status: criteria provided, single submitter. Criteria: Invitae Variant Classification Sherloc (09022015). Collection method: clinical testing. Allele origin: germline.
Comment: This sequence change falls in intron 4 of the CLCN4 gene. It does not directly change the encoded amino acid sequence of the CLCN4 protein. The frequency data for this variant in the population databases is considered unreliable, as metrics indicate insufficient coverage at this position in the gnomAD database. This variant has not been reported in the literature in individuals affected with CLCN4-related conditions. This variant is also known as p.Thr83_Leu84ins23*. In summary, the available evidence is currently insufficient to determine the role of this variant in disease. Therefore, it has been classified as a Variant of Uncertain Significance.